The following is an entry in ClinVar:

ClinVar aggregate classification (germline): Pathogenic. Review status: criteria provided, single submitter (1 of 4 stars). 2 submissions from 2 submitters: Pathogenic (1). 1 of the submissions does not count toward it. Last evaluated 2023-09-21.

Conditions:
Spastic paraplegia. Identifiers: MedGen C0037772, HP:0001258.
Charlevoix-Saguenay spastic ataxia (SACS). Also called: AUTOSOMAL RECESSIVE SPASTIC ATAXIA OF CHARLEVOIX-SAGUENAY; SPASTIC ATAXIA 6, AUTOSOMAL RECESSIVE; Spastic ataxia of Charlevoix-Saguenay. Identifiers: Orphanet 98, MedGen C1849140, MONDO:0010041, OMIM 270550.

Submissions (2):

Labcorp Genetics (formerly Invitae), Labcorp
Classification: Pathogenic for Spastic paraplegia. Last evaluated: 2023-09-21. Review status: criteria provided, single submitter. Criteria: Invitae Variant Classification Sherloc (09022015). Collection method: clinical testing. Allele origin: germline.
Comment: For these reasons, this variant has been classified as Pathogenic. This variant disrupts a region of the SACS protein in which other variant(s) (p.Asn4549Asp) have been determined to be pathogenic (PMID: 15156359, 21507954). This suggests that this is a clinically significant region of the protein, and that variants that disrupt it are likely to be disease-causing. ClinVar contains an entry for this variant (Variation ID: 371392). This variant has not been reported in the literature in individuals affected with SACS-related conditions. This variant is not present in population databases (gnomAD no frequency). This sequence change creates a premature translational stop signal (p.Asn3750Thrfs*8) in the SACS gene. While this is not anticipated to result in nonsense mediated decay, it is expected to disrupt the last 830 amino acid(s) of the SACS protein.

Counsyl
Classification: Likely pathogenic for Charlevoix-Saguenay spastic ataxia. Last evaluated: 2016-09-12. Review status: no assertion criteria provided. Collection method: clinical testing. Allele origin: unknown. Not counted in ClinVar's aggregate classification.

Literature cited by the submitters: PubMed 15156359 (cited by Labcorp Genetics (formerly Invitae), Labcorp); PubMed 21507954 (cited by Labcorp Genetics (formerly Invitae), Labcorp).

NM_014363.6(SACS):c.11247_11250del (p.Asn3750fs)

Gene: SACS (sacsin molecular chaperone; minus strand). Cytogenetic location: 13q12.12.
Variant type: Deletion.
Coding change: c.11247_11250del on transcript NM_014363.6 (MANE Select); coding-DNA positions 11247 to 11250, 4 bases deleted (CAAT; older notation c.11247_11250delCAAT).
Protein change: p.Asn3750fs; shifts the reading frame from asparagine 3750.
Molecular consequence: frameshift variant.
Genome position (GRCh38, 1-based): chr13:23,332,626-23,332,629, ATTG deleted on the plus strand (CAAT on the coding strand, the reverse complement: SACS is on the minus strand); deleting any 4 consecutive bases within chr13:23,332,626-23,332,632 gives the same sequence; the c. name uses the placement nearest the transcript's 3' end. VCF-style (leftmost placement, unchanged base first): chr13-23332625-TATTG-T. GRCh37 (hg19) VCF-style: chr13-23906764-TATTG-T.
Other names: c.10806_10809del, p.Asn3603fs (NM_001278055.2); short protein forms N3603fs, N3750fs.
Identifiers: ClinVar variation 371392 (VCV000371392.6), dbSNP rs753205260, ClinGen allele CA6910317.